The following is an entry in ClinVar:

NM_000271.5(NPC1):c.1171G>T (p.Glu391Ter)

Gene: NPC1 (NPC intracellular cholesterol transporter 1; minus strand). Cytogenetic location: 18q11.2.
Variant type: single nucleotide variant.
Coding change: c.1171G>T on transcript NM_000271.5 (MANE Select); coding-DNA position 1171, G replaced by T.
Protein change: p.Glu391Ter; replaces glutamic acid 391 with a stop codon.
Molecular consequence: nonsense.
Genome position (GRCh38, 1-based): chr18:23,556,398, C>A on the plus strand (G>T on the coding strand, the complement: NPC1 is on the minus strand). VCF-style: chr18-23556398-C-A. GRCh37 (hg19) VCF-style: chr18-21136362-C-A.
Other names: short protein forms E391*.
Identifiers: ClinVar variation 522757 (VCV000522757.5), dbSNP rs1555637139, ClinGen allele CA401777922.
Genomic context (GRCh38, chr18:23,556,398, plus strand): 5'-GGATGATGAGCTGCTCCGTCCGGAAGAAAGGCCCAAAGTGCTGGTCAAAGTACTCTTTTT[C>A]CAGGCGAGCCTGGCTGCTGGGGGCTGACCAGAGGTCAACTGGATTGGTTGTGACCCGGAC-3'

ClinVar aggregate classification (germline): Pathogenic. Review status: criteria provided, multiple submitters, no conflicts (2 of 4 stars). 2 submissions from 2 submitters: Pathogenic (2). Last evaluated 2024-05-08.

Conditions:
Niemann-Pick disease, type C1. Also called: NIEMANN-PICK DISEASE, VARIANT TYPE C1; NEUROVISCERAL STORAGE DISEASE WITH VERTICAL SUPRANUCLEAR OPHTHALMOPLEGIA; NIEMANN-PICK DISEASE WITH CHOLESTEROL ESTERIFICATION BLOCK; NIEMANN-PICK DISEASE WITHOUT SPHINGOMYELINASE DEFICIENCY; NIEMANN-PICK DISEASE, CHRONIC NEURONOPATHIC FORM. Identifiers: Orphanet 646, MedGen C3179455, MONDO:0009757, OMIM 257220.

Submissions (2):

Myriad Genetics, Inc.
Classification: Pathogenic for Niemann-Pick disease, type C1. Last evaluated: 2024-05-08. Review status: criteria provided, single submitter. Criteria: Myriad Autosomal Dominant, Autosomal Recessive and X-Linked Classification Criteria (2023). Collection method: clinical testing. Allele origin: unknown.
Comment: NM_000271.4(NPC1):c.1171G>T(E391*) is expected to be pathogenic in the context of Niemann-Pick disease type C1. This variant is predicted to lead to an abnormal or absent protein product due to the creation of a premature termination codon in NPC1, a gene where loss-of-function variants are known to be pathogenic. Please note: this variant was assessed in the context of healthy population screening.

Genomic Research Center, Shahid Beheshti University of Medical Sciences
Classification: Pathogenic for Niemann-Pick disease, type C1. Last evaluated: 2017-12-03. Review status: criteria provided, single submitter. Criteria: ACMG Guidelines, 2015. Collection method: clinical testing. Allele origin: inherited. Affected: yes.